The following is an entry in ClinVar:

NM_001303256.3(MORC2):c.2779T>C (p.Phe927Leu)

Gene: MORC2 (MORC family CW-type zinc finger 2; minus strand). Cytogenetic location: 22q12.2.
Variant type: single nucleotide variant.
Coding change: c.2779T>C on transcript NM_001303256.3 (MANE Select); coding-DNA position 2779, T replaced by C.
Protein change: p.Phe927Leu; replaces phenylalanine 927 with leucine.
Molecular consequence: missense variant.
Genome position (GRCh38, 1-based): chr22:30,932,421, A>G on the plus strand (T>C on the coding strand, the complement: MORC2 is on the minus strand). VCF-style: chr22-30932421-A-G. GRCh37 (hg19) VCF-style: chr22-31328408-A-G.
Other names: c.2779T>C, p.Phe927Leu (NM_001303257.2); c.2593T>C, p.Phe865Leu (NM_014941.3); short protein forms F865L, F927L.
Identifiers: ClinVar variation 2054140 (VCV002054140.4), dbSNP rs2517568565, ClinGen allele CA411231486.

ClinVar aggregate classification (germline): Uncertain significance (1 of 4 stars; one submission).

Conditions:
Charcot-Marie-Tooth disease axonal type 2Z. Also called: CHARCOT-MARIE-TOOTH DISEASE, AXONAL, AUTOSOMAL DOMINANT, TYPE 2Z; CHARCOT-MARIE-TOOTH NEUROPATHY, TYPE 2Z. Identifiers: Orphanet 466768, MedGen C5569025, MONDO:0014736, OMIM 616688.

gnomAD v4.1: 1 of 1,614,180 alleles (0.000062%); highest among the groups gnomAD compares: Non-Finnish European, 0.000085%; no homozygotes.

Submission:

Labcorp Genetics (formerly Invitae), Labcorp
Classification: Uncertain significance for Charcot-Marie-Tooth disease axonal type 2Z. Last evaluated: 2022-05-10. Review status: criteria provided, single submitter. Criteria: Invitae Variant Classification Sherloc (09022015). Collection method: clinical testing. Allele origin: germline.
Comment: This sequence change replaces phenylalanine, which is neutral and non-polar, with leucine, which is neutral and non-polar, at codon 927 of the MORC2 protein (p.Phe927Leu). This variant is not present in population databases (gnomAD no frequency). This variant has not been reported in the literature in individuals affected with MORC2-related conditions. Advanced modeling of protein sequence and biophysical properties (such as structural, functional, and spatial information, amino acid conservation, physicochemical variation, residue mobility, and thermodynamic stability) performed at Invitae indicates that this missense variant is expected to disrupt MORC2 protein function. In summary, the available evidence is currently insufficient to determine the role of this variant in disease. Therefore, it has been classified as a Variant of Uncertain Significance.